The following is an entry in ClinVar:

NM_005068.3(SIM1):c.544-15A>C

Gene: SIM1 (SIM bHLH transcription factor 1; minus strand). Cytogenetic location: 6q16.3.
Variant type: single nucleotide variant.
Coding change: c.544-15A>C on transcript NM_005068.3 (MANE Select); 15 bases into the intron before coding-DNA position 544, A replaced by C.
Molecular consequence: intron variant.
Genome position (GRCh38, 1-based): chr6:100,448,693, T>G on the plus strand (A>C on the coding strand, the complement: SIM1 is on the minus strand). VCF-style: chr6-100448693-T-G. GRCh37 (hg19) VCF-style: chr6-100896569-T-G.
Other names: c.544-15A>C (NM_001374769.1).
Identifiers: ClinVar variation 354686 (VCV000354686.15), dbSNP rs3734353, ClinGen allele CA3937265.

ClinVar aggregate classification (germline): Benign. Review status: criteria provided, multiple submitters, no conflicts (2 of 4 stars). 3 submissions from 3 submitters: Benign (3). Last evaluated 2026-02-04.

Conditions:
Obesity due to SIM1 deficiency. Identifiers: Orphanet 369873, MedGen C5191050, MONDO:0018244.

Allele frequency attached by ClinVar (database versions not stated): ESP Exome Variant Server 0.28279; gnomAD 0.30249 and 0.30342; 1000 Genomes Project 0.31450; gnomAD exomes 0.31499 and 0.30370; 1000 Genomes Project 30x 0.31652; TOPMed 0.30843; ExAC 0.31271.
gnomAD v4.1: 486,397 of 1,602,516 alleles (30%); highest among the groups gnomAD compares: East Asian, 45%; 75,398 homozygotes.

Submissions (3):

Labcorp Genetics (formerly Invitae), Labcorp
Classification: Benign. Last evaluated: 2026-02-04. Review status: criteria provided, single submitter. Criteria: Invitae Variant Classification Sherloc (09022015). Collection method: clinical testing. Allele origin: germline.

Blueprint Genetics
Classification: Benign. Last evaluated: 2024-11-27. Review status: criteria provided, single submitter. Criteria: ACMG Guidelines, 2015. Collection method: clinical testing. Allele origin: germline.

Illumina Laboratory Services, Illumina
Classification: Benign for Obesity due to SIM1 deficiency. Last evaluated: 2018-01-13. Review status: criteria provided, single submitter. Criteria: ICSL Variant Classification Criteria 13 December 2019. Collection method: clinical testing. Allele origin: germline.
Comment: This variant was observed in the ICSL laboratory as part of a predisposition screen in an ostensibly healthy population. It had not been previously curated by ICSL or reported in the Human Gene Mutation Database (HGMD: prior to June 1st, 2018), and was therefore a candidate for classification through an automated scoring system. Utilizing variant allele frequency, disease prevalence and penetrance estimates, and inheritance mode, an automated score was calculated to assess if this variant is too frequent to cause the disease. Based on the score and internal cut-off values, a variant classified as benign is not then subjected to further curation. The score for this variant resulted in a classification of benign for this disease.